The following is an entry in ClinVar:

NM_001113378.2(FANCI):c.3776A>C (p.Gln1259Pro)

Gene: FANCI (FA complementation group I; plus strand). Cytogenetic location: 15q26.1.
Variant type: single nucleotide variant.
Coding change: c.3776A>C on transcript NM_001113378.2 (MANE Select); coding-DNA position 3776, A replaced by C.
Protein change: p.Gln1259Pro; replaces glutamine 1259 with proline.
Molecular consequence: missense variant.
Genome position (GRCh38, 1-based): chr15:89,314,667, A>C. VCF-style: chr15-89314667-A-C. GRCh37 (hg19) VCF-style: chr15-89857898-A-C.
Other names: c.3497A>C, p.Gln1166Pro (NM_001376910.1); c.3776A>C, p.Gln1259Pro (NM_001376911.1); c.3596A>C, p.Gln1199Pro (NM_018193.3); short protein forms Q1259P, Q1166P, Q1199P.
Identifiers: ClinVar variation 2154358 (VCV002154358.4), dbSNP rs1036182247, ClinGen allele CA274533746.
Genomic context (GRCh38, chr15:89,314,667, plus strand): 5'-CTTAGGCCAGAGTTCTTCGGGAAACCAAGCCAATCCCTAACCTCATCTTTGCCATAGAAC[A>C]GTATGAAAAATTTCTCATCCACCTTTCTAAGAAGTCCAAGGTAAACATTCTCTTATTATG-3'
Protein context (NP_001106849.1, residues 1249-1269): PIPNLIFAIE[Gln1259Pro]YEKFLIHLSK

ClinVar aggregate classification (germline): Uncertain significance (1 of 4 stars; one submission).

Conditions:
Fanconi anemia (FA). Also called: Fanconi's anemia. Identifiers: Orphanet 84, MedGen C0015625, MeSH D005199, MONDO:0019391.

gnomAD v4.1: 2 of 1,614,174 alleles (0.00012%); highest among the groups gnomAD compares: Non-Finnish European, 0.00017%; no homozygotes.

Submission:

Labcorp Genetics (formerly Invitae), Labcorp
Classification: Uncertain significance for Fanconi anemia. Last evaluated: 2022-04-19. Review status: criteria provided, single submitter. Criteria: Invitae Variant Classification Sherloc (09022015). Collection method: clinical testing. Allele origin: germline.
Comment: In summary, the available evidence is currently insufficient to determine the role of this variant in disease. Therefore, it has been classified as a Variant of Uncertain Significance. Algorithms developed to predict the effect of missense changes on protein structure and function are either unavailable or do not agree on the potential impact of this missense change (SIFT: "Tolerated"; PolyPhen-2: "Probably Damaging"; Align-GVGD: "Class C0"). This variant has not been reported in the literature in individuals affected with FANCI-related conditions. This variant is not present in population databases (gnomAD no frequency). This sequence change replaces glutamine, which is neutral and polar, with proline, which is neutral and non-polar, at codon 1259 of the FANCI protein (p.Gln1259Pro).